The following is an entry in ClinVar:

NM_000138.5(FBN1):c.863-3C>T

Gene: FBN1 (fibrillin 1; minus strand). Cytogenetic location: 15q21.1.
Variant type: single nucleotide variant.
Coding change: c.863-3C>T on transcript NM_000138.5 (MANE Select); 3 bases into the intron before coding-DNA position 863, C replaced by T.
Molecular consequence: intron variant.
Genome position (GRCh38, 1-based): chr15:48,526,258, G>A on the plus strand (C>T on the coding strand, the complement: FBN1 is on the minus strand). VCF-style: chr15-48526258-G-A. GRCh37 (hg19) VCF-style: chr15-48818455-G-A.
Identifiers: ClinVar variation 388201 (VCV000388201.9), dbSNP rs955955089, ClinGen allele CA16606739.

ClinVar aggregate classification (germline): Conflicting classifications of pathogenicity. Review status: criteria provided, conflicting classifications (1 of 4 stars). 5 submissions from 5 submitters: Uncertain significance (2); Benign (1); Likely benign (2). Last evaluated 2025-05-25.

Conditions:
Familial thoracic aortic aneurysm and aortic dissection (TAAD). Also called: Thoracic aortic aneurysms and dissections. Identifiers: Orphanet 91387, MedGen C4707243, MONDO:0019625.
Marfan syndrome (MFS). Also called: Marfan syndrome, classic; Marfan syndrome type 1; Marfan's syndrome; MARFAN SYNDROME, TYPE I; FBN1-Related Marfan Syndrome. Identifiers: Orphanet 284963, Orphanet 558, MedGen C0024796, MONDO:0007947, OMIM 154700.

Allele frequency attached by ClinVar (database versions not stated): gnomAD exomes 0.00006 and 0.00007; gnomAD 0.00014 and 0.00015; TOPMed 0.00015.
gnomAD v4.1: 120 of 1,613,318 alleles (0.0074%); highest among the groups gnomAD compares: Admixed American, 0.047%; no homozygotes.

Submissions (5):

Ambry Genetics
Classification: Benign for Familial thoracic aortic aneurysm and aortic dissection. Last evaluated: 2025-05-25. Review status: criteria provided, single submitter. Criteria: Ambry Variant Classification Scheme 2023. Collection method: clinical testing. Allele origin: germline.

CHEO Genetics Diagnostic Laboratory, Children's Hospital of Eastern Ontario
Classification: Uncertain significance for Familial thoracic aortic aneurysm and aortic dissection. Last evaluated: 2022-10-18. Review status: criteria provided, single submitter. Criteria: ACMG Guidelines, 2015. Collection method: clinical testing. Allele origin: germline.

Labcorp Genetics (formerly Invitae), Labcorp
Classification: Uncertain significance for Marfan syndrome; Familial thoracic aortic aneurysm and aortic dissection. Last evaluated: 2022-07-26. Review status: criteria provided, single submitter. Criteria: Invitae Variant Classification Sherloc (09022015). Collection method: clinical testing. Allele origin: germline.
Comment: This sequence change falls in intron 8 of the FBN1 gene. It does not directly change the encoded amino acid sequence of the FBN1 protein. It affects a nucleotide within the consensus splice site. This variant is present in population databases (no rsID available, gnomAD 0.03%). In summary, the available evidence is currently insufficient to determine the role of this variant in disease. Therefore, it has been classified as a Variant of Uncertain Significance. Variants that disrupt the consensus splice site are a relatively common cause of aberrant splicing (PMID: 17576681, 9536098). Algorithms developed to predict the effect of sequence changes on RNA splicing suggest that this variant is not likely to affect RNA splicing. ClinVar contains an entry for this variant (Variation ID: 388201). This variant has not been reported in the literature in individuals affected with FBN1-related conditions.

GeneDx
Classification: Likely benign. Last evaluated: 2020-03-19. Review status: criteria provided, single submitter. Criteria: GeneDx Variant Classification Process June 2021. Collection method: clinical testing. Allele origin: germline. Affected: yes.
Comment: This variant is associated with the following publications: (PMID: 17657824)

Color Diagnostics, LLC DBA Color Health
Classification: Likely benign for Familial thoracic aortic aneurysm and aortic dissection. Last evaluated: 2018-11-08. Review status: criteria provided, single submitter. Criteria: ACMG Guidelines, 2015. Collection method: clinical testing. Allele origin: germline.

Literature cited by the submitters: PubMed 17576681 (cited by Labcorp Genetics (formerly Invitae), Labcorp); PubMed 9536098 (cited by Labcorp Genetics (formerly Invitae), Labcorp).